The following is an entry in ClinVar:

NM_001122630.2(CDKN1C):c.218G>C (p.Ser73Thr)

Gene: CDKN1C (cyclin dependent kinase inhibitor 1C; minus strand). Cytogenetic location: 11p15.4.
Variant type: single nucleotide variant.
Coding change: c.218G>C on transcript NM_001122630.2 (MANE Select); coding-DNA position 218, G replaced by C.
Protein change: p.Ser73Thr; replaces serine 73 with threonine.
Molecular consequence: missense variant.
Genome position (GRCh38, 1-based): chr11:2,885,239, C>G on the plus strand (G>C on the coding strand, the complement: CDKN1C is on the minus strand). VCF-style: chr11-2885239-C-G. GRCh37 (hg19) VCF-style: chr11-2906469-C-G.
Other names: c.218G>C, p.Ser73Thr (NM_001122631.2, NM_001362475.2); c.251G>C, p.Ser84Thr (NM_001362474.2, NM_000076.2); short protein forms S73T, S84T.
Identifiers: ClinVar variation 3012754 (VCV003012754.3), dbSNP rs1848970951, ClinGen allele CA379147222.

ClinVar aggregate classification (germline): Uncertain significance (1 of 4 stars; one submission).

Conditions:
Beckwith-Wiedemann syndrome (BWS). Also called: EMG SYNDROME; Exomphalos macroglossia gigantism syndrome. Identifiers: Orphanet 116, MedGen C0004903, MONDO:0007534, OMIM 130650.

Submission:

Labcorp Genetics (formerly Invitae), Labcorp
Classification: Uncertain significance for Beckwith-Wiedemann syndrome. Last evaluated: 2023-07-19. Review status: criteria provided, single submitter. Criteria: Invitae Variant Classification Sherloc (09022015). Collection method: clinical testing. Allele origin: germline.
Comment: This variant is not present in population databases (gnomAD no frequency). This sequence change replaces serine, which is neutral and polar, with threonine, which is neutral and polar, at codon 84 of the CDKN1C protein (p.Ser84Thr). This variant has not been reported in the literature in individuals affected with CDKN1C-related conditions. In summary, the available evidence is currently insufficient to determine the role of this variant in disease. Therefore, it has been classified as a Variant of Uncertain Significance. Advanced modeling of protein sequence and biophysical properties (such as structural, functional, and spatial information, amino acid conservation, physicochemical variation, residue mobility, and thermodynamic stability) performed at Invitae indicates that this missense variant is not expected to disrupt CDKN1C protein function.